The following is an entry in ClinVar:

ClinVar aggregate classification (germline): Uncertain significance (1 of 4 stars; one submission).

Conditions:
Inborn genetic diseases. Identifiers: MedGen C0950123, MeSH D030342.

Submission:

Ambry Genetics
Classification: Uncertain significance for Inborn genetic diseases. Last evaluated: 2025-10-11. Review status: criteria provided, single submitter. Criteria: Ambry Variant Classification Scheme 2023. Collection method: clinical testing. Allele origin: germline.
Comment: The p.P873T variant (also known as c.2617C>A), located in coding exon 13 of the ASXL1 gene, results from a C to A substitution at nucleotide position 2617. The proline at codon 873 is replaced by threonine, an amino acid with highly similar properties. This amino acid position is conserved. In addition, this alteration is predicted to be tolerated by in silico analysis. Based on the available evidence, the clinical significance of this variant remains unclear.

NM_015338.6(ASXL1):c.2617C>A (p.Pro873Thr)

Gene: ASXL1 (ASXL transcriptional regulator 1; plus strand). Cytogenetic location: 20q11.21.
Variant type: single nucleotide variant.
Coding change: c.2617C>A on transcript NM_015338.6 (MANE Select); coding-DNA position 2617, C replaced by A.
Protein change: p.Pro873Thr; replaces proline 873 with threonine.
Molecular consequence: missense variant.
Genome position (GRCh38, 1-based): chr20:32,435,329, C>A. VCF-style: chr20-32435329-C-A. GRCh37 (hg19) VCF-style: chr20-31023132-C-A.
Other names: c.2434C>A, p.Pro812Thr (NM_001363734.1); short protein forms P812T, P873T.
Identifiers: ClinVar variation 4587811 (VCV004587811.1).